The following is an entry in ClinVar:

NM_004655.4(AXIN2):c.227C>A (p.Thr76Asn)

Gene: AXIN2 (axin 2; minus strand). Cytogenetic location: 17q24.1.
Variant type: single nucleotide variant.
Coding change: c.227C>A on transcript NM_004655.4 (MANE Select); coding-DNA position 227, C replaced by A.
Protein change: p.Thr76Asn; replaces threonine 76 with asparagine.
Molecular consequence: missense variant.
Genome position (GRCh38, 1-based): chr17:65,558,394, G>T on the plus strand (C>A on the coding strand, the complement: AXIN2 is on the minus strand). VCF-style: chr17-65558394-G-T. GRCh37 (hg19) VCF-style: chr17-63554512-G-T.
Other names: c.227C>A, p.Thr76Asn (NM_001363813.1); short protein forms T76N.
Identifiers: ClinVar variation 1000621 (VCV001000621.8), dbSNP rs730881402, ClinGen allele CA400681859.

ClinVar aggregate classification (germline): Uncertain significance (1 of 4 stars; one submission).

Conditions:
Oligodontia-cancer predisposition syndrome. Also called: TOOTH AGENESIS-COLORECTAL CANCER SYNDROME. Identifiers: Orphanet 300576, MedGen C1837750, MONDO:0012075, OMIM 608615. Disease mechanism: loss of function.

Submission:

Labcorp Genetics (formerly Invitae), Labcorp
Classification: Uncertain significance for Oligodontia-cancer predisposition syndrome. Last evaluated: 2020-01-30. Review status: criteria provided, single submitter. Criteria: Invitae Variant Classification Sherloc (09022015). Collection method: clinical testing. Allele origin: germline.
Comment: In summary, the available evidence is currently insufficient to determine the role of this variant in disease. Therefore, it has been classified as a Variant of Uncertain Significance. Algorithms developed to predict the effect of missense changes on protein structure and function (SIFT, PolyPhen-2, Align-GVGD) all suggest that this variant is likely to be tolerated, but these predictions have not been confirmed by published functional studies and their clinical significance is uncertain. This variant has not been reported in the literature in individuals with AXIN2-related conditions. This variant is not present in population databases (ExAC no frequency). This sequence change replaces threonine with asparagine at codon 76 of the AXIN2 protein (p.Thr76Asn). The threonine residue is weakly conserved and there is a small physicochemical difference between threonine and asparagine.